The following is an entry in ClinVar:

NM_014806.5(RUSC2):c.2045G>A (p.Arg682His)

Gene: RUSC2 (RUN and SH3 domain containing 2; plus strand). Cytogenetic location: 9p13.3.
Variant type: single nucleotide variant.
Coding change: c.2045G>A on transcript NM_014806.5 (MANE Select); coding-DNA position 2045, G replaced by A.
Protein change: p.Arg682His; replaces arginine 682 with histidine.
Molecular consequence: missense variant. On other transcripts: 5 prime UTR variant (1), non-coding transcript variant (1).
Genome position (GRCh38, 1-based): chr9:35,555,090, G>A. VCF-style: chr9-35555090-G-A. GRCh37 (hg19) VCF-style: chr9-35555087-G-A.
Other names: c.2045G>A, p.Arg682His (NM_001135999.2); c.-590G>A (NM_001330740.2); c.2045G>A (NM_001135999.1); short protein forms R682H.
Identifiers: ClinVar variation 1380090 (VCV001380090.6), dbSNP rs774344914, ClinGen allele CA5043798.

ClinVar aggregate classification (germline): Uncertain significance. Review status: criteria provided, multiple submitters, no conflicts (2 of 4 stars). 2 submissions from 2 submitters: Uncertain significance (2). Last evaluated 2025-06-29.

Allele frequency attached by ClinVar (database versions not stated): ExAC 0.00001; gnomAD exomes 0.00002 and 0.00004; gnomAD 0.00006; TOPMed 0.00009.
gnomAD v4.1: 34 of 1,612,826 alleles (0.0021%); highest among the groups gnomAD compares: Admixed American, 0.025%; no homozygotes.

Submissions (2):

Ambry Genetics
Classification: Uncertain significance. Last evaluated: 2025-06-29. Review status: criteria provided, single submitter. Criteria: Ambry Variant Classification Scheme 2023. Collection method: clinical testing. Allele origin: germline.

Labcorp Genetics (formerly Invitae), Labcorp
Classification: Uncertain significance. Last evaluated: 2022-10-14. Review status: criteria provided, single submitter. Criteria: Invitae Variant Classification Sherloc (09022015). Collection method: clinical testing. Allele origin: germline.
Comment: This sequence change replaces arginine, which is basic and polar, with histidine, which is basic and polar, at codon 682 of the RUSC2 protein (p.Arg682His). This variant is present in population databases (rs774344914, gnomAD 0.01%). This variant has not been reported in the literature in individuals affected with RUSC2-related conditions. ClinVar contains an entry for this variant (Variation ID: 1380090). Algorithms developed to predict the effect of missense changes on protein structure and function are either unavailable or do not agree on the potential impact of this missense change (SIFT: "Deleterious"; PolyPhen-2: "Benign"; Align-GVGD: "Class C25"). In summary, the available evidence is currently insufficient to determine the role of this variant in disease. Therefore, it has been classified as a Variant of Uncertain Significance.